The following is an entry in ClinVar:

ClinVar aggregate classification (germline): Uncertain significance (1 of 4 stars; one submission).

Submission:

Labcorp Genetics (formerly Invitae), Labcorp
Classification: Uncertain significance. Last evaluated: 2021-11-30. Review status: criteria provided, single submitter. Criteria: Invitae Variant Classification Sherloc (09022015). Collection method: clinical testing. Allele origin: germline.
Comment: This sequence change replaces lysine, which is basic and polar, with arginine, which is basic and polar, at codon 747 of the COL11A2 protein (p.Lys747Arg). In summary, the available evidence is currently insufficient to determine the role of this variant in disease. Therefore, it has been classified as a Variant of Uncertain Significance. Algorithms developed to predict the effect of sequence changes on RNA splicing suggest that this variant may create or strengthen a splice site. Advanced modeling of protein sequence and biophysical properties (such as structural, functional, and spatial information, amino acid conservation, physicochemical variation, residue mobility, and thermodynamic stability) performed at Invitae indicates that this missense variant is not expected to disrupt COL11A2 protein function. This variant has not been reported in the literature in individuals affected with COL11A2-related conditions. This variant is not present in population databases (gnomAD no frequency).

NM_080680.3(COL11A2):c.2240A>G (p.Lys747Arg)

Gene: COL11A2 (collagen type XI alpha 2 chain; minus strand). Cytogenetic location: 6p21.32.
Variant type: single nucleotide variant.
Coding change: c.2240A>G on transcript NM_080680.3 (MANE Select); coding-DNA position 2240, A replaced by G.
Protein change: p.Lys747Arg; replaces lysine 747 with arginine.
Molecular consequence: missense variant.
Genome position (GRCh38, 1-based): chr6:33,176,044, T>C on the plus strand (A>G on the coding strand, the complement: COL11A2 is on the minus strand). VCF-style: chr6-33176044-T-C. GRCh37 (hg19) VCF-style: chr6-33143821-T-C.
Other names: c.1919A>G, p.Lys640Arg (NM_080679.3); c.1982A>G, p.Lys661Arg (NM_080681.3); short protein forms K747R, K640R, K661R.
Identifiers: ClinVar variation 1428167 (VCV001428167.6), dbSNP rs2150567302, ClinGen allele CA363648501.
Genomic context (GRCh38, chr6:33,176,044, plus strand): 5'-GGAATTGGGGCCAGTGTGGGGTCTCTACTCACCCTGTCACCTTTCACGCCTATGTCACCT[T>C]TGAACCCAGGAAAGCCATCCTCACCCTGAGAAAGATAGAGGTGAGAGGGCACCACAGATG-3'
Protein context (NP_542411.2, residues 737-757): EKGEDGFPGF[Lys747Arg]GDIGVKGDRG